The following is an entry in ClinVar:

ClinVar aggregate classification (germline): Uncertain significance. Review status: criteria provided, multiple submitters, no conflicts (2 of 4 stars). 2 submissions from 2 submitters: Uncertain significance (2). Last evaluated 2023-12-12.

Conditions:
Hereditary cancer-predisposing syndrome. Also called: Tumor predisposition; Hereditary neoplastic syndrome; Hereditary Cancer Syndrome; Neoplastic Syndromes, Hereditary. Identifiers: Orphanet 140162, MedGen C0027672, MeSH D009386, MONDO:0015356.

Allele frequency attached by ClinVar (database versions not stated): gnomAD exomes below 0.00001; TOPMed below 0.00001.

Submissions (2):

Labcorp Genetics (formerly Invitae), Labcorp
Classification: Uncertain significance for Hereditary cancer-predisposing syndrome. Last evaluated: 2023-12-12. Review status: criteria provided, single submitter. Criteria: Invitae Variant Classification Sherloc (09022015). Collection method: clinical testing. Allele origin: germline.
Comment: This sequence change replaces lysine, which is basic and polar, with glutamic acid, which is acidic and polar, at codon 170 of the RAD50 protein (p.Lys170Glu). This variant is not present in population databases (gnomAD no frequency). This variant has not been reported in the literature in individuals affected with RAD50-related conditions. ClinVar contains an entry for this variant (Variation ID: 964085). Advanced modeling of protein sequence and biophysical properties (such as structural, functional, and spatial information, amino acid conservation, physicochemical variation, residue mobility, and thermodynamic stability) performed at Invitae indicates that this missense variant is expected to disrupt RAD50 protein function with a positive predictive value of 80%. In summary, the available evidence is currently insufficient to determine the role of this variant in disease. Therefore, it has been classified as a Variant of Uncertain Significance.

Ambry Genetics
Classification: Uncertain significance for Hereditary cancer-predisposing syndrome. Last evaluated: 2023-05-12. Review status: criteria provided, single submitter. Criteria: Ambry Variant Classification Scheme 2023. Collection method: clinical testing. Allele origin: germline.
Comment: The p.K170E variant (also known as c.508A>G), located in coding exon 4 of the RAD50 gene, results from an A to G substitution at nucleotide position 508. The lysine at codon 170 is replaced by glutamic acid, an amino acid with similar properties. This amino acid position is conserved. In addition, this alteration is predicted to be tolerated by in silico analysis. Since supporting evidence is limited at this time, the clinical significance of this alteration remains unclear.

NM_005732.4(RAD50):c.508A>G (p.Lys170Glu)

Gene: RAD50 (RAD50 double strand break repair protein; plus strand). Cytogenetic location: 5q31.1.
Variant type: single nucleotide variant.
Coding change: c.508A>G on transcript NM_005732.4 (MANE Select); coding-DNA position 508, A replaced by G.
Protein change: p.Lys170Glu; replaces lysine 170 with glutamic acid.
Molecular consequence: missense variant.
Genome position (GRCh38, 1-based): chr5:132,579,459, A>G. VCF-style: chr5-132579459-A-G. GRCh37 (hg19) VCF-style: chr5-131915151-A-G.
Other names: short protein forms K170E.
Identifiers: ClinVar variation 964085 (VCV000964085.11), dbSNP rs1750464972, ClinGen allele CA360934761.